The following is an entry in ClinVar:

NM_001330691.3(CEP78):c.1651G>A (p.Gly551Arg)

Gene: CEP78 (centrosomal protein 78; plus strand). Cytogenetic location: 9q21.2.
Variant type: single nucleotide variant.
Coding change: c.1651G>A on transcript NM_001330691.3 (MANE Select); coding-DNA position 1651, G replaced by A.
Protein change: p.Gly551Arg; replaces glycine 551 with arginine.
Molecular consequence: missense variant.
Genome position (GRCh38, 1-based): chr9:78,265,397, G>A. VCF-style: chr9-78265397-G-A. GRCh37 (hg19) VCF-style: chr9-80880313-G-A.
Other names: c.1654G>A, p.Gly552Arg (NM_001098802.3, NM_001349839.2, NM_001349840.2 and 1 more transcripts); c.1651G>A, p.Gly551Arg (NM_001330693.3, NM_001330694.2, NM_001349838.2); short protein forms G552R, G551R.
Identifiers: ClinVar variation 850960 (VCV000850960.7), dbSNP rs1441371901, ClinGen allele CA373865677.

ClinVar aggregate classification (germline): Uncertain significance (1 of 4 stars; one submission).

Allele frequency attached by ClinVar (database versions not stated): gnomAD exomes below 0.00001 and 0.00001; TOPMed 0.00001.
gnomAD v4.1: 11 of 1,605,728 alleles (0.00069%); highest among the groups gnomAD compares: Non-Finnish European, 0.00093%; no homozygotes.

Submission:

Labcorp Genetics (formerly Invitae), Labcorp
Classification: Uncertain significance. Last evaluated: 2024-01-08. Review status: criteria provided, single submitter. Criteria: Invitae Variant Classification Sherloc (09022015). Collection method: clinical testing. Allele origin: germline.
Comment: This sequence change replaces glycine, which is neutral and non-polar, with arginine, which is basic and polar, at codon 552 of the CEP78 protein (p.Gly552Arg). The frequency data for this variant in the population databases is considered unreliable, as metrics indicate poor data quality at this position in the gnomAD database. This variant has not been reported in the literature in individuals affected with CEP78-related conditions. ClinVar contains an entry for this variant (Variation ID: 850960). Advanced modeling of protein sequence and biophysical properties (such as structural, functional, and spatial information, amino acid conservation, physicochemical variation, residue mobility, and thermodynamic stability) performed at Invitae indicates that this missense variant is expected to disrupt CEP78 protein function with a positive predictive value of 80%. In summary, the available evidence is currently insufficient to determine the role of this variant in disease. Therefore, it has been classified as a Variant of Uncertain Significance.